The following is an entry in ClinVar:

NC_000005.10:g.(?_13809024)_(13811843_?)del

Gene: DNAH5 (dynein axonemal heavy chain 5; minus strand). Cytogenetic location: 5p15.2.
Variant type: Deletion.
Identifiers: ClinVar variation 454501 (VCV000454501.15).

ClinVar aggregate classification (germline): Pathogenic (1 of 4 stars; one submission).

Conditions:
Primary ciliary dyskinesia. Also called: Ciliary dyskinesia. Identifiers: Orphanet 244, MedGen C0008780, MONDO:0016575, HP:0012265.

Submission:

Labcorp Genetics (formerly Invitae), Labcorp
Classification: Pathogenic for Primary ciliary dyskinesia. Last evaluated: 2022-06-27. Review status: criteria provided, single submitter. Criteria: Invitae Variant Classification Sherloc (09022015). Collection method: clinical testing. Allele origin: germline.
Comment: This variant is a gross deletion of the genomic region encompassing exon(s) 44-46 of the DNAH5 gene. This variant would be expected to be in-frame, preserving the integrity of the reading frame. For these reasons, this variant has been classified as Pathogenic. This variant disrupts a region of the DNAH5 protein in which other variant(s) (p.Arg2501Pro) have been determined to be pathogenic (PMID: 16627867, 19357118, 25802884, 30067075, 32357925; Invitae). This suggests that this is a clinically significant region of the protein, and that variants that disrupt it are likely to be disease-causing. This variant has not been reported in the literature in individuals affected with DNAH5-related conditions.

Literature cited by the submitters: PubMed 16627867; PubMed 19357118; PubMed 25802884; PubMed 30067075; PubMed 32357925.